The following is an entry in ClinVar:

NM_001127222.2(CACNA1A):c.4291C>T (p.Arg1431Ter)

Gene: CACNA1A (calcium voltage-gated channel subunit alpha1 A; minus strand). Cytogenetic location: 19p13.13.
Variant type: single nucleotide variant.
Coding change: c.4291C>T on transcript NM_001127222.2 (MANE Select); coding-DNA position 4291, C replaced by T.
Protein change: p.Arg1431Ter; replaces arginine 1431 with a stop codon.
Molecular consequence: nonsense.
Genome position (GRCh38, 1-based): chr19:13,259,661, G>A on the plus strand (C>T on the coding strand, the complement: CACNA1A is on the minus strand). VCF-style: chr19-13259661-G-A. GRCh37 (hg19) VCF-style: chr19-13370475-G-A.
Other names: c.4303C>T, p.Arg1435Ter (NM_000068.4, NM_023035.3); c.4294C>T, p.Arg1432Ter (NM_001127221.2, NM_001174080.2); c.4291C>T (NM_001127222.1); short protein forms R1432*, R1431*, R1435*.
Identifiers: ClinVar variation 565995 (VCV000565995.10), dbSNP rs1568470104, ClinGen allele CA404339415.

ClinVar aggregate classification (germline): Pathogenic/Likely pathogenic. Review status: criteria provided, multiple submitters, no conflicts (2 of 4 stars). 4 submissions from 4 submitters: Pathogenic (3); Likely pathogenic (1). Last evaluated 2025-12-09.

Conditions:
CACNA1A-related disorder. Also called: CACNA1A-related condition.
Episodic ataxia type 2 (EA2). Also called: ACETAZOLAMIDE-RESPONSIVE HEREDITARY PAROXYSMAL CEREBELLAR ATAXIA; ATAXIA, EPISODIC, WITH NYSTAGMUS; ATAXIA, FAMILIAL PAROXYSMAL; CEREBELLAR ATAXIA, PAROXYSMAL, ACETAZOLAMIDE-RESPONSIVE; CEREBELLOPATHY, HEREDITARY PAROXYSMAL; EPISODIC ATAXIA, NYSTAGMUS-ASSOCIATED. Identifiers: Orphanet 97, MedGen C1720416, MONDO:0007163, OMIM 108500.
Developmental and epileptic encephalopathy, 42 (DEE42A). Also called: DEVELOPMENTAL AND EPILEPTIC ENCEPHALOPATHY 42A; EPILEPTIC ENCEPHALOPATHY, EARLY INFANTILE, 42A; Epileptic encephalopathy, early infantile, 42. Identifiers: MedGen C4310716, MONDO:0014917, OMIM 617106.
Neurodevelopmental delay. Identifiers: MedGen C4022738, HP:0012758.

Allele frequency attached by ClinVar (database versions not stated): gnomAD exomes below 0.00001.
gnomAD v4.1: 1 of 1,610,860 alleles (0.000062%); no homozygotes.

Submissions (4):

PreventionGenetics, part of Exact Sciences
Classification: Pathogenic for CACNA1A-related condition. Last evaluated: 2025-12-09. Review status: criteria provided, single submitter. Criteria: ACMG Guidelines, 2015. Collection method: clinical testing. Allele origin: germline.
Comment: The CACNA1A c.4291C>T variant is predicted to result in premature protein termination (p.Arg1431*). This variant was reported in an individual with paroxysmal exertion-induced dyskinesia (described as c.4294C>T, p.Arg1432*; Ogawa et al. 2019. PubMed ID: 30852237). This variant has not been reported in a large population database (gnomAD), indicating this variant is rare. Nonsense variants in CACNA1A are expected to be pathogenic. This variant is interpreted as pathogenic.

GeneDx
Classification: Pathogenic. Last evaluated: 2025-03-24. Review status: criteria provided, single submitter. Criteria: GeneDx Variant Classification Process June 2021. Collection method: clinical testing. Allele origin: germline. Affected: yes.
Comment: Nonsense variant predicted to result in protein truncation or nonsense mediated decay in a gene for which loss of function is a known mechanism of disease; Not observed at significant frequency in large population cohorts (gnomAD); This variant is associated with the following publications: (PMID: 31440721, 35150601, 30852237)

Labcorp Genetics (formerly Invitae), Labcorp
Classification: Pathogenic for Developmental and epileptic encephalopathy, 42; Episodic ataxia type 2. Last evaluated: 2023-03-17. Review status: criteria provided, single submitter. Criteria: Invitae Variant Classification Sherloc (09022015). Collection method: clinical testing. Allele origin: germline.
Comment: This premature translational stop signal has been observed in individual(s) with autosomal dominant episodic ataxia 2 (PMID: 30852237). ClinVar contains an entry for this variant (Variation ID: 565995). For these reasons, this variant has been classified as Pathogenic. This variant is not present in population databases (gnomAD no frequency). This sequence change creates a premature translational stop signal (p.Arg1432*) in the CACNA1A gene. It is expected to result in an absent or disrupted protein product. Loss-of-function variants in CACNA1A are known to be pathogenic (PMID: 10371528, 19486177, 25735478, 27250579).

Centre de Biologie Pathologie Génétique, Centre Hospitalier Universitaire de Lille
Classification: Likely pathogenic for Neurodevelopmental delay. Review status: criteria provided, single submitter. Criteria: ACMG Guidelines, 2015. Collection method: clinical testing. Allele origin: unknown. Affected: yes.

Literature cited by the submitters: PubMed 30852237 (cited by Labcorp Genetics (formerly Invitae), Labcorp); PubMed 10371528 (cited by Labcorp Genetics (formerly Invitae), Labcorp); PubMed 19486177 (cited by Labcorp Genetics (formerly Invitae), Labcorp); PubMed 25735478 (cited by Labcorp Genetics (formerly Invitae), Labcorp); PubMed 27250579 (cited by Labcorp Genetics (formerly Invitae), Labcorp).